The following is an entry in ClinVar:

ClinVar aggregate classification (germline): Benign. Review status: criteria provided, multiple submitters, no conflicts (2 of 4 stars). 2 submissions from 2 submitters: Benign (2). Last evaluated 2018-06-16.

Allele frequency attached by ClinVar (database versions not stated): gnomAD exomes 0.00353; gnomAD 0.03389 and 0.03636; 1000 Genomes Project 0.03514; 1000 Genomes Project 30x 0.03701; TOPMed 0.03783.
gnomAD v4.1: 8,724 of 1,114,114 alleles (0.78%); highest among the groups gnomAD compares: African/African-American, 11%; 473 homozygotes.

Submissions (2):

GeneDx
Classification: Benign. Last evaluated: 2018-06-16. Review status: criteria provided, single submitter. Criteria: GeneDx Variant Classification (06012015). Collection method: clinical testing. Allele origin: germline. Affected: yes.
Comment: This variant is considered likely benign or benign based on one or more of the following criteria: it is a conservative change, it occurs at a poorly conserved position in the protein, it is predicted to be benign by multiple in silico algorithms, and/or has population frequency not consistent with disease.

Breakthrough Genomics
Classification: Benign. Review status: criteria provided, single submitter. Criteria: ACMG Guidelines, 2015. Collection method: not provided. Allele origin: germline. Inheritance: Autosomal recessive inheritance. Affected: yes.

NM_203447.4(DOCK8):c.2008-93G>A

Gene: DOCK8 (dedicator of cytokinesis 8; plus strand). Cytogenetic location: 9p24.3.
Variant type: single nucleotide variant.
Coding change: c.2008-93G>A on transcript NM_203447.4 (MANE Select); 93 bases into the intron before coding-DNA position 2008, G replaced by A.
Molecular consequence: intron variant.
Genome position (GRCh38, 1-based): chr9:372,092, G>A. VCF-style: chr9-372092-G-A. GRCh37 (hg19) VCF-style: chr9-372092-G-A.
Other names: c.1804-93G>A (NM_001193536.2, NM_001190458.2).
Identifiers: ClinVar variation 675892 (VCV000675892.2), dbSNP rs57782736, ClinGen allele CA187809452.
Genomic context (GRCh38, chr9:372,092, plus strand): 5'-AATGCAAAGAACTGGACAGAAATTACTGCCAAAAAGAGTACTGGTCAATATCTACTCACT[G>A]TTTAGTTGCATTTGATTATTGCGAGCTAGATAAATTATCAGAATTATATGCTGTAATAAA-3'